The following is an entry in ClinVar:

NM_015506.3(MMACHC):c.616del (p.Arg206fs)

Genes: MMACHC (metabolism of cobalamin associated C; plus strand), LOC129930446 (ATAC-STARR-seq lymphoblastoid active region 972; plus strand). Cytogenetic location: 1p34.1.
Variant type: Deletion.
Coding change: c.616del on transcript NM_015506.3 (MANE Select); coding-DNA position 616, one base deleted (C; older notation c.616delC).
Protein change: p.Arg206fs; shifts the reading frame from arginine 206.
Molecular consequence: frameshift variant.
Genome position (GRCh38, 1-based): chr1:45,508,982, C deleted; the last of 2 consecutive C bases (chr1:45,508,981-45,508,982); deleting either gives the same sequence. VCF-style (leftmost placement, unchanged base first): chr1-45508980-AC-A. GRCh37 (hg19) VCF-style: chr1-45974652-AC-A.
Other names: c.445del, p.Arg149fs (NM_001330540.2); short protein forms R149fs, R206fs.
Identifiers: ClinVar variation 993003 (VCV000993003.3), dbSNP rs1163462384, ClinGen allele CA736191791.

ClinVar aggregate classification (germline): Likely pathogenic. Review status: criteria provided, multiple submitters, no conflicts (2 of 4 stars). 3 submissions from 3 submitters: Likely pathogenic (2). 1 of the submissions does not count toward it. Last evaluated 2024-12-19.

Conditions:
Cobalamin C disease. Also called: Cobalamin-C methylmalonic acidemia and homocystinuria; Methylmalonic acidemia and homocystinuria cblC type; Methylmalonic aciduria with homocystinuria cblC type; Methylmalonic aciduria and homocystinuria, Vitamin B12-responsive; Vitamin B12 metabolic defect with combined deficiency of methylmalonyl-CoA mutase and homocysteine:methyltetrahydrofolate methyltransferase; methylmalonic aciduria and homocystinuria type cblC. Identifiers: Orphanet 26, Orphanet 79282, MedGen C1848561, MONDO:0010184, OMIM 277400.

Submissions (3):

Genomic Medicine Center of Excellence, King Faisal Specialist Hospital and Research Centre
Classification: Likely pathogenic for Cobalamin C disease. Last evaluated: 2024-12-19. Review status: criteria provided, single submitter. Criteria: ACMG Guidelines, 2015. Collection method: clinical testing. Allele origin: germline.

GeneDx
Classification: Likely pathogenic. Last evaluated: 2023-03-30. Review status: criteria provided, single submitter. Criteria: GeneDx Variant Classification Process June 2021. Collection method: clinical testing. Allele origin: germline.
Comment: Reported in association with methylmalonic aciduria and homocystinuria, cbl C type (Esser et al., 2022); Frameshift variant predicted to result in protein truncation, as the last 77 amino acids are replaced with 3 different amino acids, and other loss-of-function variants have been reported downstream in HGMD; Not observed at significant frequency in large population cohorts (gnomAD); This variant is associated with the following publications: (PMID: 36105582, 24077912)

Biochemical Molecular Genetic Laboratory, King Abdulaziz Medical City
Classification: Likely pathogenic for Cobalamin C disease. Last evaluated: 2020-09-10. Review status: no assertion criteria provided. Collection method: clinical testing. Allele origin: germline. Affected: yes. Not counted in ClinVar's aggregate classification.